The following is an entry in ClinVar:

ClinVar aggregate classification (germline): Uncertain significance. Review status: criteria provided, multiple submitters, no conflicts (2 of 4 stars). 2 submissions from 2 submitters: Uncertain significance (2). Last evaluated 2025-06-07.

Conditions:
Inborn genetic diseases. Identifiers: MedGen C0950123, MeSH D030342.
Muscle AMP deaminase deficiency (MMDD). Also called: ADENOSINE MONOPHOSPHATE DEAMINASE-1 DEFICIENCY, MYOPATHY DUE TO; Myoadenylate deaminase deficiency, myopathy due to; Adenosine monophosphate deaminase 1 deficiency; AMP deaminase 1 deficiency; Adenosine Monophosphate Deaminase 1; AMPD1 DEFICIENCY. Identifiers: Orphanet 45, MedGen C3714933, MONDO:0014220, OMIM 615511.

Allele frequency attached by ClinVar (database versions not stated): gnomAD exomes below 0.00001; ExAC 0.00001; gnomAD 0.00002; TOPMed 0.00002.
gnomAD v4.1: 6 of 1,614,040 alleles (0.00037%); highest among the groups gnomAD compares: African/African-American, 0.0053%; no homozygotes.

Submissions (2):

Ambry Genetics
Classification: Uncertain significance for Inborn genetic diseases. Last evaluated: 2025-06-07. Review status: criteria provided, single submitter. Criteria: Ambry Variant Classification Scheme 2023. Collection method: clinical testing. Allele origin: germline.

Labcorp Genetics (formerly Invitae), Labcorp
Classification: Uncertain significance for Muscle AMP deaminase deficiency. Last evaluated: 2022-03-12. Review status: criteria provided, single submitter. Criteria: Invitae Variant Classification Sherloc (09022015). Collection method: clinical testing. Allele origin: germline.
Comment: Algorithms developed to predict the effect of missense changes on protein structure and function (SIFT, PolyPhen-2, Align-GVGD) all suggest that this variant is likely to be disruptive. Algorithms developed to predict the effect of sequence changes on RNA splicing suggest that this variant may create or strengthen a splice site. In summary, the available evidence is currently insufficient to determine the role of this variant in disease. Therefore, it has been classified as a Variant of Uncertain Significance. This sequence change replaces isoleucine, which is neutral and non-polar, with asparagine, which is neutral and polar, at codon 539 of the AMPD1 protein (p.Ile539Asn). This variant is present in population databases (rs746816406, gnomAD 0.008%). This variant has not been reported in the literature in individuals affected with AMPD1-related conditions.

NM_000036.3(AMPD1):c.1517T>A (p.Ile506Asn)

Gene: AMPD1 (adenosine monophosphate deaminase 1; minus strand). Cytogenetic location: 1p13.2.
Variant type: single nucleotide variant.
Coding change: c.1517T>A on transcript NM_000036.3 (MANE Select); coding-DNA position 1517, T replaced by A.
Protein change: p.Ile506Asn; replaces isoleucine 506 with asparagine.
Molecular consequence: missense variant.
Genome position (GRCh38, 1-based): chr1:114,675,692, A>T on the plus strand (T>A on the coding strand, the complement: AMPD1 is on the minus strand). VCF-style: chr1-114675692-A-T. GRCh37 (hg19) VCF-style: chr1-115218313-A-T.
Other names: c.1505T>A, p.Ile502Asn (NM_001172626.2); c.1616T>A (NM_000036.2); short protein forms I502N, I506N.
Identifiers: ClinVar variation 1378880 (VCV001378880.7), dbSNP rs746816406, ClinGen allele CA1020082.